The following is an entry in ClinVar:

NM_001080449.3(DNA2):c.587+127C>G

Gene: DNA2 (DNA replication helicase/nuclease 2; minus strand). Cytogenetic location: 10q21.3.
Variant type: single nucleotide variant.
Coding change: c.587+127C>G on transcript NM_001080449.3 (MANE Select); 127 bases into the intron after coding-DNA position 587, C replaced by G.
Molecular consequence: intron variant.
Genome position (GRCh38, 1-based): chr10:68,465,540, G>C on the plus strand (C>G on the coding strand, the complement: DNA2 is on the minus strand). VCF-style: chr10-68465540-G-C. GRCh37 (hg19) VCF-style: chr10-70225297-G-C.
Identifiers: ClinVar variation 676737 (VCV000676737.1), dbSNP rs76236637, ClinGen allele CA208185421.

ClinVar aggregate classification (germline): Benign (1 of 4 stars; one submission).

Allele frequency attached by ClinVar (database versions not stated): gnomAD 0.02473 and 0.02647; 1000 Genomes Project 0.02776; 1000 Genomes Project 30x 0.02889; TOPMed 0.02900.
gnomAD v4.1: 5,262 of 747,518 alleles (0.7%); highest among the groups gnomAD compares: African/African-American, 8.6%; 211 homozygotes.

Submission:

GeneDx
Classification: Benign. Last evaluated: 2018-06-19. Review status: criteria provided, single submitter. Criteria: GeneDx Variant Classification (06012015). Collection method: clinical testing. Allele origin: germline. Affected: yes.
Comment: This variant is considered likely benign or benign based on one or more of the following criteria: it is a conservative change, it occurs at a poorly conserved position in the protein, it is predicted to be benign by multiple in silico algorithms, and/or has population frequency not consistent with disease.